The following is an entry in ClinVar:

ClinVar aggregate classification (germline): Uncertain significance (1 of 4 stars; one submission).

Submission:

MVZ Dr. Eberhard & Partner Dortmund
Classification: Uncertain significance. Last evaluated: 2021-02-16. Review status: criteria provided, single submitter. Criteria: ACMG Guidelines, 2015. Collection method: clinical testing. Allele origin: unknown. Observed: 1 heterozygote.
Comment: The transition at a conserved position is likely to cause an amino acid change from Ile333 to Thr. This amino acid is highly conserved up to C. elegans (considering 12 species) and multiple lines of computational evidence support a deleterious effect on the gene or gene products (SIFT (v6.2.0: Deleterious (score: 0, median: 3.41)); MutationTaster(v2013): disease causing (prob1)). The amino acid change is designated as moderately conservative by the Grantham score:89 [0-215]. This Variant is absent from controls in Exome Sequencing Project, 1000 Genomes Project and the Genome Aggregation Database. This variant is considered to be a variant of uncertain significance according to the ACMG guidelines.

NM_175914.5(HNF4A):c.998T>C (p.Ile333Thr)

Gene: HNF4A (hepatocyte nuclear factor 4 alpha; plus strand). Cytogenetic location: 20q13.12.
Variant type: single nucleotide variant.
Coding change: c.998T>C on transcript NM_175914.5 (MANE Select); coding-DNA position 998, T replaced by C.
Protein change: p.Ile333Thr; replaces isoleucine 333 with threonine.
Molecular consequence: missense variant.
Genome position (GRCh38, 1-based): chr20:44,424,189, T>C. VCF-style: chr20-44424189-T-C. GRCh37 (hg19) VCF-style: chr20-43052829-T-C.
Other names: c.1064T>C, p.Ile355Thr (NM_000457.6, NM_178849.3, NM_178850.3); c.998T>C, p.Ile333Thr (NM_001030003.3, NM_001030004.3); c.1043T>C, p.Ile348Thr (NM_001258355.2); c.989T>C, p.Ile330Thr (NM_001287182.2, NM_001287183.2, NM_001287184.2); short protein forms I330T, I333T, I348T, I355T.
Identifiers: ClinVar variation 1676806 (VCV001676806.2), dbSNP rs2146468886, ClinGen allele CA409108552.